The following is an entry in ClinVar:

ClinVar aggregate classification (germline): Uncertain significance. Review status: criteria provided, multiple submitters, no conflicts (2 of 4 stars). 2 submissions from 2 submitters: Uncertain significance (2). Last evaluated 2024-03-20.

Conditions:
Sucrase-isomaltase deficiency (CSID). Also called: Congenital sucrose isomaltose malabsorption; Sucrose isomaltose enzyme deficiency; SI DEFICIENCY; Deficiency of isomaltase. Identifiers: Orphanet 35122, MedGen C1283620, MONDO:0009114, OMIM 222900.

Allele frequency attached by ClinVar (database versions not stated): TOPMed 0.00002.
gnomAD v4.1: 6 of 1,580,048 alleles (0.00038%); highest among the groups gnomAD compares: Admixed American, 0.0017%; no homozygotes.

Submissions (2):

Fulgent Genetics
Classification: Uncertain significance for Sucrase-isomaltase deficiency. Last evaluated: 2024-03-20. Review status: criteria provided, single submitter. Criteria: ACMG Guidelines, 2015. Collection method: clinical testing. Allele origin: germline.

Labcorp Genetics (formerly Invitae), Labcorp
Classification: Uncertain significance. Last evaluated: 2023-08-03. Review status: criteria provided, single submitter. Criteria: Invitae Variant Classification Sherloc (09022015). Collection method: clinical testing. Allele origin: germline.
Comment: This variant has not been reported in the literature in individuals affected with SI-related conditions. Advanced modeling of protein sequence and biophysical properties (such as structural, functional, and spatial information, amino acid conservation, physicochemical variation, residue mobility, and thermodynamic stability) has been performed at Invitae for this missense variant, however the output from this modeling did not meet the statistical confidence thresholds required to predict the impact of this variant on SI protein function. This variant is present in population databases (no rsID available, gnomAD 0.0009%). In summary, the available evidence is currently insufficient to determine the role of this variant in disease. Therefore, it has been classified as a Variant of Uncertain Significance. This sequence change replaces alanine, which is neutral and non-polar, with threonine, which is neutral and polar, at codon 567 of the SI protein (p.Ala567Thr).

NM_001041.4(SI):c.1699G>A (p.Ala567Thr)

Gene: SI (sucrase-isomaltase; minus strand). Cytogenetic location: 3q26.1.
Variant type: single nucleotide variant.
Coding change: c.1699G>A on transcript NM_001041.4 (MANE Select); coding-DNA position 1699, G replaced by A.
Protein change: p.Ala567Thr; replaces alanine 567 with threonine.
Molecular consequence: missense variant.
Genome position (GRCh38, 1-based): chr3:165,049,143, C>T on the plus strand (G>A on the coding strand, the complement: SI is on the minus strand). VCF-style: chr3-165049143-C-T. GRCh37 (hg19) VCF-style: chr3-164766931-C-T.
Other names: short protein forms A567T.
Identifiers: ClinVar variation 3005054 (VCV003005054.4), dbSNP rs1441981061, ClinGen allele CA355052880.
Genomic context (GRCh38, chr3:165,049,143, plus strand): 5'-AAGCAATAAATATGAAAGAAGTCTTTGAATGAAATTGCACTTACTGCTCTGTGGCTATAG[C>T]CATGCTGTATCCATAGAGGCTATGAACATCATACTGTTTACCCCAGTTCTGCACAGCATC-3'
Protein context (NP_001032.2, residues 557-577): DVHSLYGYSM[Ala567Thr]IATEQAVQKV